The following is an entry in ClinVar:

ClinVar aggregate classification (germline): Uncertain significance (1 of 4 stars; one submission).

Allele frequency attached by ClinVar (database versions not stated): ExAC 0.00002; gnomAD exomes 0.00001; ESP Exome Variant Server 0.00016; gnomAD 0.00001; TOPMed 0.00002.
gnomAD v4.1: 22 of 1,614,060 alleles (0.0014%); highest among the groups gnomAD compares: African/African-American, 0.0027%; no homozygotes.

Submission:

Labcorp Genetics (formerly Invitae), Labcorp
Classification: Uncertain significance. Last evaluated: 2022-11-01. Review status: criteria provided, single submitter. Criteria: Invitae Variant Classification Sherloc (09022015). Collection method: clinical testing. Allele origin: germline.
Comment: This sequence change replaces glutamic acid, which is acidic and polar, with lysine, which is basic and polar, at codon 804 of the TRPM1 protein (p.Glu804Lys). This variant is present in population databases (rs377003006, gnomAD 0.003%). This variant has not been reported in the literature in individuals affected with TRPM1-related conditions. ClinVar contains an entry for this variant (Variation ID: 948566). Advanced modeling of protein sequence and biophysical properties (such as structural, functional, and spatial information, amino acid conservation, physicochemical variation, residue mobility, and thermodynamic stability) performed at Invitae indicates that this missense variant is not expected to disrupt TRPM1 protein function. In summary, the available evidence is currently insufficient to determine the role of this variant in disease. Therefore, it has been classified as a Variant of Uncertain Significance.

NM_001252024.2(TRPM1):c.2476G>A (p.Glu826Lys)

Gene: TRPM1 (transient receptor potential cation channel subfamily M member 1; minus strand). Cytogenetic location: 15q13.3.
Variant type: single nucleotide variant.
Coding change: c.2476G>A on transcript NM_001252024.2 (MANE Select); coding-DNA position 2476, G replaced by A.
Protein change: p.Glu826Lys; replaces glutamic acid 826 with lysine.
Molecular consequence: missense variant.
Genome position (GRCh38, 1-based): chr15:31,037,806, C>T on the plus strand (G>A on the coding strand, the complement: TRPM1 is on the minus strand). VCF-style: chr15-31037806-C-T. GRCh37 (hg19) VCF-style: chr15-31330009-C-T.
Other names: c.2527G>A, p.Glu843Lys (NM_001252020.2); c.2410G>A, p.Glu804Lys (NM_002420.6); short protein forms E804K, E843K, E826K.
Identifiers: ClinVar variation 948566 (VCV000948566.6), dbSNP rs377003006, ClinGen allele CA7452180.